The following is an entry in ClinVar:

NM_014845.6(FIG4):c.2238G>A (p.Pro746=)

Gene: FIG4 (FIG4 phosphoinositide 5-phosphatase; plus strand). Cytogenetic location: 6q21.
Variant type: single nucleotide variant.
Coding change: c.2238G>A on transcript NM_014845.6 (MANE Select); coding-DNA position 2238, G replaced by A.
Protein change: p.Pro746=; no amino-acid change (proline 746 retained).
Molecular consequence: synonymous variant.
Genome position (GRCh38, 1-based): chr6:109,791,433, G>A. VCF-style: chr6-109791433-G-A. GRCh37 (hg19) VCF-style: chr6-110112636-G-A.
Identifiers: ClinVar variation 447333 (VCV000447333.32), dbSNP rs753867543, ClinGen allele CA3956331.
Genomic context (GRCh38, chr6:109,791,433, plus strand): 5'-AAGAAACAAAAGCAATAGAGAAGAAGCTGTATTACAGCGGAAAACGGCAGCCAGCGCCCC[G>A]CCGCCCCCCAGCGAGGAGGCTGTGTCCAGCAGCTCTGAGGATGACTCTGGGACTGATCGG-3'
Protein context (NP_055660.1, residues 736-756): VLQRKTAASA[Pro746=]PPPSEEAVSS

ClinVar aggregate classification (germline): Likely benign. Review status: criteria provided, multiple submitters, no conflicts (2 of 4 stars). 4 submissions from 4 submitters: Likely benign (4). Last evaluated 2024-05-13.

Conditions:
Inborn genetic diseases. Identifiers: MedGen C0950123, MeSH D030342.
Charcot-Marie-Tooth disease type 4. Also called: Charcot-Marie-Tooth disease, type IV; Charcot-Marie-Tooth, Type 4. Identifiers: Orphanet 64749, MedGen C4082197, MONDO:0018995.

Allele frequency attached by ClinVar (database versions not stated): gnomAD 0.00001; gnomAD exomes 0.00001 and 0.00003; TOPMed below 0.00001; ExAC 0.00001.
gnomAD v4.1: 39 of 1,613,480 alleles (0.0024%); highest among the groups gnomAD compares: Non-Finnish European, 0.003%; no homozygotes.

Submissions (4):

Labcorp Genetics (formerly Invitae), Labcorp
Classification: Likely benign for Charcot-Marie-Tooth disease type 4. Last evaluated: 2024-05-13. Review status: criteria provided, single submitter. Criteria: Invitae Variant Classification Sherloc (09022015). Collection method: clinical testing. Allele origin: germline.

CeGaT Center for Human Genetics Tuebingen
Classification: Likely benign. Last evaluated: 2024-02-01. Review status: criteria provided, single submitter. Criteria: CeGaT Center For Human Genetics Tuebingen Variant Classification Criteria Version 2. Collection method: clinical testing. Allele origin: germline. Affected: yes. Observed: 1 variant allele.
Comment: FIG4: BP4, BP7

Ambry Genetics
Classification: Likely benign for Inborn genetic diseases. Last evaluated: 2019-07-11. Review status: criteria provided, single submitter. Criteria: Ambry Variant Classification Scheme 2023. Collection method: clinical testing. Allele origin: germline.

Athena Diagnostics
Classification: Likely benign. Last evaluated: 2016-08-18. Review status: criteria provided, single submitter. Criteria: Athena Diagnostics Criteria. Collection method: clinical testing. Allele origin: germline.